The following is an entry in ClinVar:

ClinVar aggregate classification (germline): Uncertain significance. Review status: criteria provided, multiple submitters, no conflicts (2 of 4 stars). 2 submissions from 2 submitters: Uncertain significance (2). Last evaluated 2025-11-13.

Conditions:
Combined immunodeficiency due to ORAI1 deficiency. Also called: IMMUNODEFICIENCY 9. Identifiers: Orphanet 169090, Orphanet 317428, MedGen C2748568, MONDO:0013007, OMIM 612782.
Myopathy, tubular aggregate, 2 (TAM2). Identifiers: MedGen C4014557, MONDO:0014383, OMIM 615883.

Submissions (2):

Mayo Clinic Laboratories, Mayo Clinic
Classification: Uncertain significance. Last evaluated: 2025-11-13. Review status: criteria provided, single submitter. Criteria: ACMG Guidelines, 2015. Collection method: clinical testing. Allele origin: germline. Observed: 2 variant alleles.
Comment: BP4_moderate, PM2_supporting

Labcorp Genetics (formerly Invitae), Labcorp
Classification: Uncertain significance for Myopathy, tubular aggregate, 2; Combined immunodeficiency due to ORAI1 deficiency. Last evaluated: 2024-12-22. Review status: criteria provided, single submitter. Criteria: Invitae Variant Classification Sherloc (09022015). Collection method: clinical testing. Allele origin: germline.
Comment: This sequence change replaces proline, which is neutral and non-polar, with leucine, which is neutral and non-polar, at codon 3 of the ORAI1 protein (p.Pro3Leu). The frequency data for this variant in the population databases is considered unreliable, as metrics indicate insufficient coverage at this position in the gnomAD database. This variant has not been reported in the literature in individuals affected with ORAI1-related conditions. ClinVar contains an entry for this variant (Variation ID: 1897344). Experimental studies and prediction algorithms are not available or were not evaluated, and the functional significance of this variant is currently unknown. In summary, the available evidence is currently insufficient to determine the role of this variant in disease. Therefore, it has been classified as a Variant of Uncertain Significance.

NM_032790.4(ORAI1):c.8C>T (p.Pro3Leu)

Genes: ORAI1 (ORAI calcium release-activated calcium modulator 1; plus strand), LOC130008987 (ATAC-STARR-seq lymphoblastoid silent region 4981; plus strand). Cytogenetic location: 12q24.31.
Variant type: single nucleotide variant.
Coding change: c.8C>T on transcript NM_032790.4 (MANE Select); coding-DNA position 8, C replaced by T.
Protein change: p.Pro3Leu; replaces proline 3 with leucine.
Genome position (GRCh38, 1-based): chr12:121,626,750, C>T. VCF-style: chr12-121626750-C-T. GRCh37 (hg19) VCF-style: chr12-122064655-C-T.
Other names: p.Pro3Leu; short protein forms P3L.
Identifiers: ClinVar variation 1897344 (VCV001897344.7), dbSNP rs1892783967, ClinGen allele CA386980255.